The following is an entry in ClinVar:

NM_001267550.2(TTN):c.59960T>C (p.Val19987Ala)

Genes: TTN (titin; minus strand), TTN-AS1 (TTN antisense RNA 1; plus strand), LOC126806424 (CDK7 strongly-dependent group 2 enhancer GRCh37_chr2:179456337-179457536; plus strand). Cytogenetic location: 2q31.2.
Variant type: single nucleotide variant.
Coding change: c.59960T>C on transcript NM_001267550.2 (MANE Select); coding-DNA position 59960, T replaced by C.
Protein change: p.Val19987Ala; replaces valine 19987 with alanine.
Molecular consequence: missense variant.
Genome position (GRCh38, 1-based): chr2:178,591,859, A>G on the plus strand (T>C on the coding strand, the complement: TTN is on the minus strand). VCF-style: chr2-178591859-A-G. GRCh37 (hg19) VCF-style: chr2-179456586-A-G.
Other names: c.55037T>C, p.Val18346Ala (NM_001256850.1); c.32765T>C, p.Val10922Ala (NM_003319.4); c.52256T>C, p.Val17419Ala (NM_133378.4); c.33140T>C, p.Val11047Ala (NM_133432.3); c.33341T>C, p.Val11114Ala (NM_133437.4); short protein forms V10922A, V11047A, V11114A, V17419A, V18346A, V19987A.
Identifiers: ClinVar variation 3906095 (VCV003906095.10).

ClinVar aggregate classification (germline): Uncertain significance (1 of 4 stars; one submission).

Submission:

CeGaT Center for Human Genetics Tuebingen
Classification: Uncertain significance. Last evaluated: 2025-06-01. Review status: criteria provided, single submitter. Criteria: CeGaT Center For Human Genetics Tuebingen Variant Classification Criteria Version 2. Collection method: clinical testing. Allele origin: germline. Affected: yes. Observed: 1 variant allele.
Comment: TTN: PM2